The following is an entry in ClinVar:

ClinVar aggregate classification (germline): Likely benign (1 of 4 stars; one submission).

Allele frequency attached by ClinVar (database versions not stated): TOPMed below 0.00001; ExAC 0.00006.
gnomAD v4.1: 2 of 1,583,486 alleles (0.00013%); highest among the groups gnomAD compares: Non-Finnish European, 0.00017%; no homozygotes.

Submission:

CeGaT Center for Human Genetics Tuebingen
Classification: Likely benign. Last evaluated: 2023-10-01. Review status: criteria provided, single submitter. Criteria: CeGaT Center For Human Genetics Tuebingen Variant Classification Criteria Version 2. Collection method: clinical testing. Allele origin: germline. Affected: yes. Observed: 1 variant allele.
Comment: PPP2R5C: BP4, BP7

NM_001352913.2(PPP2R5C):c.63A>G (p.Ser21=)

Gene: PPP2R5C (protein phosphatase 2 regulatory subunit B'gamma; plus strand). Cytogenetic location: 14q32.31.
Variant type: single nucleotide variant.
Coding change: c.63A>G on transcript NM_001352913.2 (MANE Select); coding-DNA position 63, A replaced by G.
Protein change: p.Ser21=; no amino-acid change (serine 21 retained).
Molecular consequence: synonymous variant. On other transcripts: 5 prime UTR variant (1).
Genome position (GRCh38, 1-based): chr14:101,762,940, A>G. VCF-style: chr14-101762940-A-G. GRCh37 (hg19) VCF-style: chr14-102229277-A-G.
Other names: c.78A>G, p.Ser26= (NM_001352914.2); c.-162A>G (NM_001352915.2); c.63A>G, p.Ser21= (NM_001161725.2, NM_001161726.2).
Identifiers: ClinVar variation 2644556 (VCV002644556.24), dbSNP rs768360842, ClinGen allele CA7350876.
Genomic context (GRCh38, chr14:101,762,940, plus strand): 5'-ATTGACTTTGCTTGATGTTTACCAGGAATCACCAAAAGCAGGGAAGAGTGGAAAAAGTTC[A>G]AAAGAAGGACAAGACACAGTAGAATCAGAGGTAACTGTCATCAAATATTGACTTTGTATT-3'
Protein context (NP_001339842.1, residues 11-31): SPKAGKSGKS[Ser21=]KEGQDTVESE